The following is an entry in ClinVar:

ClinVar aggregate classification (germline): Likely benign (0 of 4 stars; one submission).

Conditions:
MBD4-related disorder. Also called: MBD4-related condition.

Submission:

PreventionGenetics, part of Exact Sciences
Classification: Likely benign for MBD4-related condition. Last evaluated: 2019-08-13. Review status: no assertion criteria provided. Collection method: clinical testing. Allele origin: germline.
Comment: This variant is classified as likely benign based on ACMG/AMP sequence variant interpretation guidelines (Richards et al. 2015 PMID: 25741868, with internal and published modifications).

NM_001276270.2(MBD4):c.1456A>C (p.Arg486=)

Gene: MBD4 (methyl-CpG binding domain 4, DNA glycosylase; minus strand). Cytogenetic location: 3q21.3.
Variant type: single nucleotide variant.
Coding change: c.1456A>C on transcript NM_001276270.2 (MANE Select); coding-DNA position 1456, A replaced by C.
Protein change: p.Arg486=; no amino-acid change (arginine 486 retained).
Molecular consequence: synonymous variant.
Genome position (GRCh38, 1-based): chr3:129,433,185, T>G on the plus strand (A>C on the coding strand, the complement: MBD4 is on the minus strand). VCF-style: chr3-129433185-T-G. GRCh37 (hg19) VCF-style: chr3-129152028-T-G.
Other names: c.1474A>C, p.Arg492= (NM_001276271.2, NM_001276272.2, NM_003925.3); c.520A>C, p.Arg174= (NM_001276273.2).
Identifiers: ClinVar variation 3053345 (VCV003053345.2), dbSNP rs2530700773, ClinGen allele CA435615433.